The following is an entry in ClinVar:

ClinVar aggregate classification (germline): Uncertain significance (1 of 4 stars; one submission).

Submission:

Labcorp Genetics (formerly Invitae), Labcorp
Classification: Uncertain significance. Last evaluated: 2025-08-29. Review status: criteria provided, single submitter. Criteria: Invitae Variant Classification Sherloc (09022015). Collection method: clinical testing. Allele origin: germline.
Comment: This sequence change replaces phenylalanine, which is neutral and non-polar, with serine, which is neutral and polar, at codon 1769 of the KMT2A protein (p.Phe1769Ser). This variant is not present in population databases (gnomAD no frequency). This variant has not been reported in the literature in individuals affected with KMT2A-related conditions. Invitae Evidence Modeling of protein sequence and biophysical properties (such as structural, functional, and spatial information, amino acid conservation, physicochemical variation, residue mobility, and thermodynamic stability) indicates that this missense variant is not expected to disrupt KMT2A protein function with a negative predictive value of 95%. In summary, the available evidence is currently insufficient to determine the role of this variant in disease. Therefore, it has been classified as a Variant of Uncertain Significance.

NM_001197104.2(KMT2A):c.5306T>C (p.Phe1769Ser)

Gene: KMT2A (lysine methyltransferase 2A; plus strand). Cytogenetic location: 11q23.3.
Variant type: single nucleotide variant.
Coding change: c.5306T>C on transcript NM_001197104.2 (MANE Select); coding-DNA position 5306, T replaced by C.
Protein change: p.Phe1769Ser; replaces phenylalanine 1769 with serine.
Molecular consequence: missense variant.
Genome position (GRCh38, 1-based): chr11:118,494,710, T>C. VCF-style: chr11-118494710-T-C. GRCh37 (hg19) VCF-style: chr11-118365425-T-C.
Other names: c.5396T>C, p.Phe1799Ser (NM_001412597.1); c.5297T>C, p.Phe1766Ser (NM_005933.4); short protein forms F1766S, F1769S, F1799S.
Identifiers: ClinVar variation 4800541 (VCV004800541.1).
Genomic context (GRCh38, chr11:118,494,710, plus strand): 5'-AATGAGTGTTTACATATTTACATTTTGTTTGTGTTTTCTTTTAGCAAATGGAACGTGTTT[T>C]TCCATGGTTCAGTGTCAAAAAGTCCAGGTTTTGGGAGCCAAATAAAGTATCAAGCAAGTA-3'
Protein context (NP_001184033.1, residues 1759-1779): SFFIRQMERV[Phe1769Ser]PWFSVKKSRF